The following is an entry in ClinVar:

NM_201384.3(PLEC):c.7061C>T (p.Ala2354Val)

Gene: PLEC (plectin; minus strand). Cytogenetic location: 8q24.3.
Variant type: single nucleotide variant.
Coding change: c.7061C>T on transcript NM_201384.3 (MANE Select); coding-DNA position 7061, C replaced by T.
Protein change: p.Ala2354Val; replaces alanine 2354 with valine.
Molecular consequence: missense variant.
Genome position (GRCh38, 1-based): chr8:143,922,868, G>A on the plus strand (C>T on the coding strand, the complement: PLEC is on the minus strand). VCF-style: chr8-143922868-G-A. GRCh37 (hg19) VCF-style: chr8-144997036-G-A.
Other names: c.7142C>T, p.Ala2381Val (NM_000445.5); c.7019C>T, p.Ala2340Val (NM_201378.4); c.6995C>T, p.Ala2332Val (NM_201379.3); c.7472C>T, p.Ala2491Val (NM_201380.4); c.6965C>T, p.Ala2322Val (NM_201381.3); c.7061C>T, p.Ala2354Val (NM_201382.4); c.7073C>T, p.Ala2358Val (NM_201383.3); short protein forms A2322V, A2332V, A2340V, A2354V, A2358V, A2381V, A2491V.
Identifiers: ClinVar variation 497040 (VCV000497040.16), dbSNP rs370003608, ClinGen allele CA4925770.

ClinVar aggregate classification (germline): Conflicting classifications of pathogenicity. Review status: criteria provided, conflicting classifications (1 of 4 stars). 6 submissions from 6 submitters: Uncertain significance (3); Likely benign (2). 1 of the submissions does not count toward it. Last evaluated 2025-12-27.

Conditions:
Inborn genetic diseases. Identifiers: MedGen C0950123, MeSH D030342.
PLEC-related disorder. Also called: PLEC-related disorders; PLEC-related condition.
Autosomal recessive limb-girdle muscular dystrophy type 2Q (LGMDR17). Also called: MUSCULAR DYSTROPHY, LIMB-GIRDLE, AUTOSOMAL RECESSIVE 17. Identifiers: Orphanet 254361, MedGen C3150989, MONDO:0013390, OMIM 613723.
Epidermolysis bullosa simplex with nail dystrophy (EBS5D). Identifiers: MedGen C4225309, MONDO:0014661, OMIM 616487.
Epidermolysis bullosa simplex 5B, with muscular dystrophy (EBS5B). Also called: EPIDERMOLYSIS BULLOSA SIMPLEX AND LIMB-GIRDLE MUSCULAR DYSTROPHY; Epidermolysis bullosa simplex with muscular dystrophy. Identifiers: Orphanet 257, MedGen C2931072, MONDO:0009181, OMIM 226670.
Epidermolysis bullosa simplex, Ogna type (EBS5A). Also called: EPIDERMOLYSIS BULLOSA SIMPLEX 5A, OGNA TYPE; Pidermolysis bullosa simplex 5A, Ogna type. Identifiers: Orphanet 79401, MedGen C0432317, MONDO:0007555, OMIM 131950.
Epidermolysis bullosa simplex 5C, with pyloric atresia (EBS5C). Also called: PLEC-Related Epidermolysis Bullosa with Pyloric Atresia; PLEC1-Related Epidermolysis Bullosa with Pyloric Atresia; Epidermolysis bullosa simplex with pyloric atresia. Identifiers: Orphanet 158684, MedGen C2677349, MONDO:0012807, OMIM 612138.

Allele frequency attached by ClinVar (database versions not stated): gnomAD exomes 0.00004 and 0.00007; 1000 Genomes Project 30x 0.00016; ExAC 0.00016; 1000 Genomes Project 0.00020; gnomAD 0.00023 and 0.00024; ESP Exome Variant Server 0.00031; TOPMed 0.00033.
gnomAD v4.1: 97 of 1,579,964 alleles (0.0061%); highest among the groups gnomAD compares: African/African-American, 0.076%; no homozygotes.

Submissions (6):

Labcorp Genetics (formerly Invitae), Labcorp
Classification: Uncertain significance for Autosomal recessive limb-girdle muscular dystrophy type 2Q; Epidermolysis bullosa simplex, Ogna type; Epidermolysis bullosa simplex with nail dystrophy; Epidermolysis bullosa simplex 5C, with pyloric atresia; Epidermolysis bullosa simplex 5B, with muscular dystrophy. Last evaluated: 2025-12-27. Review status: criteria provided, single submitter. Criteria: Invitae Variant Classification Sherloc (09022015). Collection method: clinical testing. Allele origin: germline.
Comment: This sequence change replaces alanine, which is neutral and non-polar, with valine, which is neutral and non-polar, at codon 2381 of the PLEC protein (p.Ala2381Val). The frequency data for this variant in the population databases is considered unreliable, as metrics indicate poor data quality at this position in the gnomAD database. This variant has not been reported in the literature in individuals affected with PLEC-related conditions. ClinVar contains an entry for this variant (Variation ID: 497040). An algorithm developed to predict the effect of missense changes on protein structure and function (PolyPhen-2) suggests that this variant is likely to be disruptive. In summary, the available evidence is currently insufficient to determine the role of this variant in disease. Therefore, it has been classified as a Variant of Uncertain Significance.

Revvity Omics, Revvity
Classification: Likely benign. Last evaluated: 2025-06-10. Review status: criteria provided, single submitter. Criteria: ACMG Guidelines, 2015. Collection method: clinical testing. Allele origin: germline.

Ambry Genetics
Classification: Uncertain significance for Inborn genetic diseases. Last evaluated: 2024-12-28. Review status: criteria provided, single submitter. Criteria: Ambry Variant Classification Scheme 2023. Collection method: clinical testing. Allele origin: germline.

GeneDx
Classification: Likely benign. Last evaluated: 2017-05-31. Review status: criteria provided, single submitter. Criteria: GeneDx Variant Classification (06012015). Collection method: clinical testing. Allele origin: germline. Affected: yes.
Comment: This variant is considered likely benign or benign based on one or more of the following criteria: it is a conservative change, it occurs at a poorly conserved position in the protein, it is predicted to be benign by multiple in silico algorithms, and/or has population frequency not consistent with disease.

Eurofins Ntd Llc (ga)
Classification: Uncertain significance. Last evaluated: 2017-01-30. Review status: criteria provided, single submitter. Criteria: EGL Classification Definitions 2015. Collection method: clinical testing. Allele origin: germline. Observed: 3 variant alleles, 3 heterozygotes.

PreventionGenetics, part of Exact Sciences
Classification: Uncertain significance for PLEC-related condition. Last evaluated: 2024-05-31. Review status: no assertion criteria provided. Collection method: clinical testing. Allele origin: germline. Not counted in ClinVar's aggregate classification.
Comment: The PLEC c.7142C>T variant is predicted to result in the amino acid substitution p.Ala2381Val. To our knowledge, this variant has not been reported in the literature. This variant is reported in 0.080% of alleles in individuals of African descent in gnomAD. Although we suspect that this variant may be benign, at this time, the clinical significance of this variant is uncertain due to the absence of conclusive functional and genetic evidence.